The following is an entry in ClinVar:

NM_005475.3(SH2B3):c.209T>G (p.Leu70Arg)

Gene: SH2B3 (SH2B adaptor protein 3; plus strand). Cytogenetic location: 12q24.12.
Variant type: single nucleotide variant.
Coding change: c.209T>G on transcript NM_005475.3 (MANE Select); coding-DNA position 209, T replaced by G.
Protein change: p.Leu70Arg; replaces leucine 70 with arginine.
Molecular consequence: missense variant.
Genome position (GRCh38, 1-based): chr12:111,418,354, T>G. VCF-style: chr12-111418354-T-G. GRCh37 (hg19) VCF-style: chr12-111856158-T-G.
Other names: short protein forms L70R.
Identifiers: ClinVar variation 5029485 (VCV005029485.1).

ClinVar aggregate classification (germline): Uncertain significance (1 of 4 stars; one submission).

Conditions:
Inborn genetic diseases. Identifiers: MedGen C0950123, MeSH D030342.

Submission:

Ambry Genetics
Classification: Uncertain significance for Inborn genetic diseases. Last evaluated: 2026-07-25. Review status: criteria provided, single submitter. Criteria: Ambry Variant Classification Scheme 2023. Collection method: clinical testing. Allele origin: germline.
Comment: The p.L70R variant (also known as c.209T>G), located in coding exon 1 of the SH2B3 gene, results from a T to G substitution at nucleotide position 209. The leucine at codon 70 is replaced by arginine, an amino acid with dissimilar properties. This amino acid position is conserved. In addition, the in silico prediction for this alteration is inconclusive. Based on the available evidence, the clinical significance of this variant remains unclear.